The following is an entry in ClinVar:

ClinVar aggregate classification (germline): Benign (1 of 4 stars; one submission).

Allele frequency attached by ClinVar (database versions not stated): 1000 Genomes Project 30x 0.54107; 1000 Genomes Project 0.54253; TOPMed 0.64082; gnomAD 0.65476; ESP Exome Variant Server 0.66854; gnomAD exomes 0.72329.
gnomAD v4.1: 1,152,376 of 1,610,118 alleles (72%); highest among the groups gnomAD compares: Non-Finnish European, 76%; 419,367 homozygotes.

Submissions (3):

Unidad de Genómica Garrahan, Hospital de Pediatría Garrahan
Classification: Benign. Last evaluated: 2024-01-24. Review status: criteria provided, single submitter. Criteria: ACMG Guidelines, 2015. Collection method: clinical testing. Allele origin: germline. Affected: no. Observed: 79 variant alleles.
Comment: This variant is classified as Benign based on local population frequency. This variant was detected in 90% of patients studied by a panel of primary immunodeficiencies. Number of patients: 79. Only high quality variants are reported.

Dr. Peter K. Rogan Lab, Western University
No classification provided (evidence only). Condition: Familial cancer of breast. Review status: no classification provided. Collection method: in vitro. Allele origin: not applicable. Functional consequence: retained intron. Not counted in ClinVar's aggregate classification.

Dr. Peter K. Rogan Lab, Western University
No classification provided (evidence only). Condition: Germ cell tumor of testis. Review status: no classification provided. Collection method: in vitro. Allele origin: not applicable. Functional consequence: retained intron. Not counted in ClinVar's aggregate classification.

NM_018248.3(NEIL3):c.1272T>G (p.Val424=)

Genes: NEIL3-AS1 (NEIL3 antisense RNA 1; minus strand), NEIL3 (nei like DNA glycosylase 3; plus strand). Cytogenetic location: 4q34.3.
Variant type: single nucleotide variant.
Coding change: c.1272T>G on transcript NM_018248.3 (MANE Select); coding-DNA position 1272, T replaced by G.
Protein change: p.Val424=; no amino-acid change (valine 424 retained).
Molecular consequence: synonymous variant.
Genome position (GRCh38, 1-based): chr4:177,353,540, T>G. VCF-style: chr4-177353540-T-G. GRCh37 (hg19) VCF-style: chr4-178274694-T-G.
Other names: NC_000004.11:g.178274694T>G.
Identifiers: ClinVar variation 2688527 (VCV002688527.3), dbSNP rs10007075, ClinGen allele CA3146507.
Genomic context (GRCh38, chr4:177,353,540, plus strand): 5'-AAAAACAAAGCAAAACCAGATACTAGATGAGGAGTTTCAAAACTCTCCTCCTGCTAGTGT[T>G]TGTTTGAATGATATACAGCACCCCTCCAAGAAGACAACAAACGATATAACTCAACCATCC-3'
Protein context (NP_060718.3, residues 414-434): EEFQNSPPAS[Val424=]CLNDIQHPSK